The following is an entry in ClinVar:

ClinVar aggregate classification (germline): Benign (0 of 4 stars; one submission).

Conditions:
MYOF-related disorder. Also called: MYOF-related condition.

gnomAD v4.1: 110,570 of 1,614,054 alleles (6.9%); highest among the groups gnomAD compares: East Asian, 67%; 13,730 homozygotes.

Submission:

PreventionGenetics, part of Exact Sciences
Classification: Benign for MYOF-related condition. Last evaluated: 2024-07-03. Review status: no assertion criteria provided. Collection method: clinical testing. Allele origin: germline.
Comment: This variant is classified as benign based on ACMG/AMP sequence variant interpretation guidelines (Richards et al. 2015 PMID: 25741868, with internal and published modifications).

NM_013451.4(MYOF):c.639T>C (p.Gly213=)

Gene: MYOF (myoferlin; minus strand). Cytogenetic location: 10q23.33.
Variant type: single nucleotide variant.
Coding change: c.639T>C on transcript NM_013451.4 (MANE Select); coding-DNA position 639, T replaced by C.
Protein change: p.Gly213=; no amino-acid change (glycine 213 retained).
Molecular consequence: synonymous variant.
Genome position (GRCh38, 1-based): chr10:93,408,877, A>G on the plus strand (T>C on the coding strand, the complement: MYOF is on the minus strand). VCF-style: chr10-93408877-A-G. GRCh37 (hg19) VCF-style: chr10-95168634-A-G.
Other names: c.639T>C, p.Gly213= (NM_133337.3).
Identifiers: ClinVar variation 3351237 (VCV003351237.1).